The following is an entry in ClinVar:

NM_001242896.3(DEPDC5):c.3223A>G (p.Ser1075Gly)

Gene: DEPDC5 (DEP domain containing 5, GATOR1 subcomplex subunit; plus strand). Cytogenetic location: 22q12.3.
Variant type: single nucleotide variant.
Coding change: c.3223A>G on transcript NM_001242896.3 (MANE Select); coding-DNA position 3223, A replaced by G.
Protein change: p.Ser1075Gly; replaces serine 1075 with glycine.
Molecular consequence: missense variant. On other transcripts: non-coding transcript variant (5).
Genome position (GRCh38, 1-based): chr22:31,857,512, A>G. VCF-style: chr22-31857512-A-G. GRCh37 (hg19) VCF-style: chr22-32253498-A-G.
Other names: c.3196A>G, p.Ser1066Gly (NM_001136029.4, NM_001369903.1, NM_014662.6); c.2989A>G, p.Ser997Gly (NM_001242897.2, NM_001363854.2, NM_001364319.2); c.3223A>G, p.Ser1075Gly (NM_001363852.2, NM_001364318.2, NM_001364320.2); c.3139A>G, p.Ser1047Gly (NM_001369901.1, NM_001369902.1); short protein forms S1047G, S1066G, S1075G, S997G.
Identifiers: ClinVar variation 934534 (VCV000934534.10), dbSNP rs376555106, ClinGen allele CA411293820.

ClinVar aggregate classification (germline): Uncertain significance. Review status: criteria provided, multiple submitters, no conflicts (2 of 4 stars). 2 submissions from 2 submitters: Uncertain significance (2). Last evaluated 2025-11-20.

Conditions:
Familial focal epilepsy with variable foci (FPEVF). Identifiers: Orphanet 98820, MedGen C1858477, MONDO:0020310.
Inborn genetic diseases. Identifiers: MedGen C0950123, MeSH D030342.

Allele frequency attached by ClinVar (database versions not stated): gnomAD exomes 0.00001.
gnomAD v4.1: 7 of 1,612,552 alleles (0.00043%); highest among the groups gnomAD compares: Non-Finnish European, 0.00059%; no homozygotes.

Submissions (2):

Ambry Genetics
Classification: Uncertain significance for Inborn genetic diseases. Last evaluated: 2025-11-20. Review status: criteria provided, single submitter. Criteria: Ambry Variant Classification Scheme 2023. Collection method: clinical testing. Allele origin: germline.

Labcorp Genetics (formerly Invitae), Labcorp
Classification: Uncertain significance for Familial focal epilepsy with variable foci. Last evaluated: 2020-01-20. Review status: criteria provided, single submitter. Criteria: Invitae Variant Classification Sherloc (09022015). Collection method: clinical testing. Allele origin: germline.
Comment: In summary, the available evidence is currently insufficient to determine the role of this variant in disease. Therefore, it has been classified as a Variant of Uncertain Significance. Algorithms developed to predict the effect of missense changes on protein structure and function output the following: SIFT: "Tolerated"; PolyPhen-2: "Not Available"; Align-GVGD: "Class C0". The glycine amino acid residue is found in multiple mammalian species, suggesting that this missense change does not adversely affect protein function. These predictions have not been confirmed by published functional studies and their clinical significance is uncertain. This variant has not been reported in the literature in individuals with DEPDC5-related conditions. This variant is not present in population databases (ExAC no frequency). This sequence change replaces serine with glycine at codon 1075 of the DEPDC5 protein (p.Ser1075Gly). The serine residue is moderately conserved and there is a small physicochemical difference between serine and glycine.